The following is an entry in ClinVar:

NM_004933.3(CDH15):c.2113C>T (p.Pro705Ser)

Gene: CDH15 (cadherin 15; plus strand). Cytogenetic location: 16q24.3.
Variant type: single nucleotide variant.
Coding change: c.2113C>T on transcript NM_004933.3 (MANE Select); coding-DNA position 2113, C replaced by T.
Protein change: p.Pro705Ser; replaces proline 705 with serine.
Molecular consequence: missense variant.
Genome position (GRCh38, 1-based): chr16:89,193,875, C>T. VCF-style: chr16-89193875-C-T. GRCh37 (hg19) VCF-style: chr16-89260283-C-T.
Other names: c.2113C>T (NM_004933.2); short protein forms P705S.
Identifiers: ClinVar variation 3341953 (VCV003341953.16).

ClinVar aggregate classification (germline): Conflicting classifications of pathogenicity. Review status: criteria provided, conflicting classifications (1 of 4 stars). 2 submissions from 2 submitters: Uncertain significance (1); Likely benign (1). Last evaluated 2025-10-24.

gnomAD v4.1: 98 of 1,612,182 alleles (0.0061%); highest among the groups gnomAD compares: African/African-American, 0.11%; 1 homozygote.

Submissions (2):

Ambry Genetics
Classification: Uncertain significance. Last evaluated: 2025-10-24. Review status: criteria provided, single submitter. Criteria: Ambry Variant Classification Scheme 2023. Collection method: clinical testing. Allele origin: germline.

CeGaT Center for Human Genetics Tuebingen
Classification: Likely benign. Last evaluated: 2024-08-01. Review status: criteria provided, single submitter. Criteria: CeGaT Center For Human Genetics Tuebingen Variant Classification Criteria Version 2. Collection method: clinical testing. Allele origin: germline. Affected: yes. Observed: 1 variant allele.
Comment: CDH15: BS1